The following is an entry in ClinVar:

NM_001206927.2(DNAH8):c.340C>T (p.Arg114Trp)

Genes: DNAH8 (dynein axonemal heavy chain 8; plus strand), LOC126859667 (BRD4-independent group 4 enhancer GRCh37_chr6:38690326-38691525; plus strand). Cytogenetic location: 6p21.2.
Variant type: single nucleotide variant.
Coding change: c.340C>T on transcript NM_001206927.2 (MANE Select); coding-DNA position 340, C replaced by T.
Protein change: p.Arg114Trp; replaces arginine 114 with tryptophan.
Molecular consequence: missense variant. On other transcripts: 5 prime UTR variant (1).
Genome position (GRCh38, 1-based): chr6:38,723,149, C>T. VCF-style: chr6-38723149-C-T. GRCh37 (hg19) VCF-style: chr6-38690925-C-T.
Other names: c.-227C>T (NM_001371.4); short protein forms R114W.
Identifiers: ClinVar variation 851022 (VCV000851022.7), dbSNP rs542057474, ClinGen allele CA3787911.
Genomic context (GRCh38, chr6:38,723,149, plus strand): 5'-CAGTCAGTGATTTCGGAAGTGCTGTCCTTGCCGTCTTCCCGGAGGTCCTCCAGATACCGC[C>T]GGAGTATGAGTGGCCTTCCCAATCTACAGGAAACATTAAAAGAGAGACAGGTTTGCTTCT-3'
Protein context (NP_001193856.1, residues 104-124): PSSRRSSRYR[Arg114Trp]SMSGLPNLQE

ClinVar aggregate classification (germline): Uncertain significance. Review status: criteria provided, multiple submitters, no conflicts (2 of 4 stars). 2 submissions from 2 submitters: Uncertain significance (2). Last evaluated 2025-10-29.

Conditions:
Primary ciliary dyskinesia. Also called: Ciliary dyskinesia. Identifiers: Orphanet 244, MedGen C0008780, MONDO:0016575, HP:0012265.

Allele frequency attached by ClinVar (database versions not stated): 1000 Genomes Project 0.00020; TOPMed 0.00003; 1000 Genomes Project 30x 0.00016.

Submissions (2):

Ambry Genetics
Classification: Uncertain significance. Last evaluated: 2025-10-29. Review status: criteria provided, single submitter. Criteria: Ambry Variant Classification Scheme 2023. Collection method: clinical testing. Allele origin: germline.

Labcorp Genetics (formerly Invitae), Labcorp
Classification: Uncertain significance for Primary ciliary dyskinesia. Last evaluated: 2021-09-01. Review status: criteria provided, single submitter. Criteria: Invitae Variant Classification Sherloc (09022015). Collection method: clinical testing. Allele origin: germline.
Comment: This sequence change replaces arginine with tryptophan at codon 114 of the DNAH8 protein (p.Arg114Trp). The arginine residue is moderately conserved and there is a moderate physicochemical difference between arginine and tryptophan. This variant is present in population databases (rs542057474, ExAC 0.006%). This variant has not been reported in the literature in individuals affected with DNAH8-related conditions. Algorithms developed to predict the effect of missense changes on protein structure and function are either unavailable or do not agree on the potential impact of this missense change (SIFT: "Deleterious"; PolyPhen-2: "Not Available"; Align-GVGD: "Class C0"). In summary, the available evidence is currently insufficient to determine the role of this variant in disease. Therefore, it has been classified as a Variant of Uncertain Significance.